The following is an entry in ClinVar:

NM_001113378.2(FANCI):c.475C>G (p.Gln159Glu)

Gene: FANCI (FA complementation group I; plus strand). Cytogenetic location: 15q26.1.
Variant type: single nucleotide variant.
Coding change: c.475C>G on transcript NM_001113378.2 (MANE Select); coding-DNA position 475, C replaced by G.
Protein change: p.Gln159Glu; replaces glutamine 159 with glutamic acid.
Molecular consequence: missense variant.
Genome position (GRCh38, 1-based): chr15:89,261,850, C>G. VCF-style: chr15-89261850-C-G. GRCh37 (hg19) VCF-style: chr15-89805081-C-G.
Other names: c.196C>G, p.Gln66Glu (NM_001376910.1); c.475C>G, p.Gln159Glu (NM_001376911.1, NM_018193.3); short protein forms Q159E, Q66E.
Identifiers: ClinVar variation 651750 (VCV000651750.8), dbSNP rs765463274, ClinGen allele CA7722636.

ClinVar aggregate classification (germline): Uncertain significance (1 of 4 stars; one submission).

Conditions:
Fanconi anemia (FA). Also called: Fanconi's anemia. Identifiers: Orphanet 84, MedGen C0015625, MeSH D005199, MONDO:0019391.

Allele frequency attached by ClinVar (database versions not stated): ExAC 0.00001; gnomAD 0.00001; gnomAD exomes 0.00001 and below 0.00001; TOPMed below 0.00001.

Submission:

Labcorp Genetics (formerly Invitae), Labcorp
Classification: Uncertain significance for Fanconi anemia. Last evaluated: 2018-10-19. Review status: criteria provided, single submitter. Criteria: Invitae Variant Classification Sherloc (09022015). Collection method: clinical testing. Allele origin: germline.
Comment: In summary, the available evidence is currently insufficient to determine the role of this variant in disease. Therefore, it has been classified as a Variant of Uncertain Significance. Algorithms developed to predict the effect of missense changes on protein structure and function (SIFT, PolyPhen-2, Align-GVGD) all suggest that this variant is likely to be tolerated, but these predictions have not been confirmed by published functional studies and their clinical significance is uncertain. This variant has not been reported in the literature in individuals with FANCI-related disease. The frequency data for this variant in the population databases is considered unreliable, as metrics indicate poor data quality at this position in the ExAC database. This sequence change replaces glutamine with glutamic acid at codon 159 of the FANCI protein (p.Gln159Glu). The glutamine residue is highly conserved and there is a small physicochemical difference between glutamine and glutamic acid.